The following is an entry in ClinVar:

ClinVar aggregate classification (germline): Benign/Likely benign. Review status: criteria provided, multiple submitters, no conflicts (2 of 4 stars). 6 submissions from 5 submitters: Benign (1); Likely benign (5). Last evaluated 2026-01-01.

Conditions:
Alternating hemiplegia of childhood 2 (AHC2). Also called: Alternating Hemiplegia of Childhood (AHC). Identifiers: Orphanet 2131, MedGen C3553788, MONDO:0013900, OMIM 614820.
Dystonia 12 (DYT12). Also called: DYT-ATP1A3; Rapid-Onset Dystonia-Parkinsonism (RDP). Identifiers: Orphanet 71517, MedGen C1868681, MONDO:0007496, OMIM 128235.

Allele frequency attached by ClinVar (database versions not stated): ExAC 0.00004; gnomAD 0.00005; gnomAD exomes 0.00007 and 0.00008; TOPMed 0.00008; ESP Exome Variant Server 0.00015; 1000 Genomes Project 30x 0.00016; 1000 Genomes Project 0.00020.
gnomAD v4.1: 127 of 1,614,044 alleles (0.0079%); highest among the groups gnomAD compares: East Asian, 0.056%; no homozygotes.

Submissions (6):

CeGaT Center for Human Genetics Tuebingen
Classification: Likely benign. Last evaluated: 2026-01-01. Review status: criteria provided, single submitter. Criteria: CeGaT Center For Human Genetics Tuebingen Variant Classification Criteria Version 2. Collection method: clinical testing. Allele origin: germline. Affected: yes. Observed: 4 variant alleles.
Comment: ATP1A3: BP4, BP7

Labcorp Genetics (formerly Invitae), Labcorp
Classification: Benign for Dystonia 12. Last evaluated: 2025-10-14. Review status: criteria provided, single submitter. Criteria: Invitae Variant Classification Sherloc (09022015). Collection method: clinical testing. Allele origin: germline.

Mayo Clinic Laboratories, Mayo Clinic
Classification: Likely benign. Last evaluated: 2025-06-27. Review status: criteria provided, single submitter. Criteria: ACMG Guidelines, 2015. Collection method: clinical testing. Allele origin: germline. Observed: 1 variant allele.
Comment: BS1, BP4, BP7

Blueprint Genetics
Classification: Likely benign. Last evaluated: 2024-07-29. Review status: criteria provided, single submitter. Criteria: ACMG Guidelines, 2015. Collection method: clinical testing. Allele origin: germline.

Illumina Laboratory Services, Illumina
Classification: Likely benign for Dystonia 12. Last evaluated: 2018-01-13. Review status: criteria provided, single submitter. Criteria: ICSL Variant Classification Criteria 13 December 2019. Collection method: clinical testing. Allele origin: germline.
Comment: This variant was observed in the ICSL laboratory as part of a predisposition screen in an ostensibly healthy population. It had not been previously curated by ICSL or reported in the Human Gene Mutation Database (HGMD: prior to June 1st, 2018), and was therefore a candidate for classification through an automated scoring system. Utilizing variant allele frequency, disease prevalence and penetrance estimates, and inheritance mode, an automated score was calculated to assess if this variant is too frequent to cause the disease. Based on the score and internal cut-off values, a variant classified as likely benign is not then subjected to further curation. The score for this variant resulted in a classification of likely benign for this disease.

Illumina Laboratory Services, Illumina
Classification: Likely benign for Alternating hemiplegia of childhood 2. Last evaluated: 2018-01-13. Review status: criteria provided, single submitter. Criteria: ICSL Variant Classification Criteria 13 December 2019. Collection method: clinical testing. Allele origin: germline.
Comment: the same text as in the submission from Illumina Laboratory Services, Illumina above.

NM_152296.5(ATP1A3):c.786C>T (p.Thr262=)

Gene: ATP1A3 (ATPase Na+/K+ transporting subunit alpha 3; minus strand). Cytogenetic location: 19q13.2.
Variant type: single nucleotide variant.
Coding change: c.786C>T on transcript NM_152296.5 (MANE Select); coding-DNA position 786, C replaced by T.
Protein change: p.Thr262=; no amino-acid change (threonine 262 retained).
Molecular consequence: synonymous variant.
Genome position (GRCh38, 1-based): chr19:41,985,125, G>A on the plus strand (C>T on the coding strand, the complement: ATP1A3 is on the minus strand). VCF-style: chr19-41985125-G-A. GRCh37 (hg19) VCF-style: chr19-42489277-G-A.
Other names: p.Thr262=; c.819C>T, p.Thr273= (NM_001256213.2); c.825C>T, p.Thr275= (NM_001256214.2).
Identifiers: ClinVar variation 444473 (VCV000444473.56), dbSNP rs74581050, ClinGen allele CA9467778.